The following is an entry in ClinVar:

ClinVar aggregate classification (germline): Uncertain significance (1 of 4 stars; one submission).

Conditions:
Cardiovascular phenotype. Identifiers: MedGen CN230736.

gnomAD v4.1: 1 of 1,608,366 alleles (0.000062%); highest among the groups gnomAD compares: South Asian, 0.0011%; no homozygotes.

Submission:

Ambry Genetics
Classification: Uncertain significance for Cardiovascular phenotype. Last evaluated: 2024-09-02. Review status: criteria provided, single submitter. Criteria: Ambry Variant Classification Scheme 2023. Collection method: clinical testing. Allele origin: germline.
Comment: The p.P554L variant (also known as c.1661C>T), located in coding exon 11 of the LMF1 gene, results from a C to T substitution at nucleotide position 1661. The proline at codon 554 is replaced by leucine, an amino acid with similar properties. This amino acid position is conserved. In addition, this alteration is predicted to be tolerated by in silico analysis. Based on the available evidence, the clinical significance of this variant remains unclear.

NM_022773.4(LMF1):c.1661C>T (p.Pro554Leu)

Gene: LMF1 (lipase maturation factor 1; minus strand). Cytogenetic location: 16p13.3.
Variant type: single nucleotide variant.
Coding change: c.1661C>T on transcript NM_022773.4 (MANE Select); coding-DNA position 1661, C replaced by T.
Protein change: p.Pro554Leu; replaces proline 554 with leucine.
Molecular consequence: missense variant. On other transcripts: synonymous variant (1), non-coding transcript variant (1).
Genome position (GRCh38, 1-based): chr16:854,575, G>A on the plus strand (C>T on the coding strand, the complement: LMF1 is on the minus strand). VCF-style: chr16-854575-G-A. GRCh37 (hg19) VCF-style: chr16-904575-G-A.
Other names: c.1010C>T, p.Pro337Leu (NM_001352017.2, NM_001352021.2); c.1262C>T, p.Pro421Leu (NM_001352018.2); c.1334C>T, p.Pro445Leu (NM_001352019.2); c.1581C>T, p.Ala527= (NM_001352020.1); short protein forms P554L, P337L, P421L, P445L.
Identifiers: ClinVar variation 3538666 (VCV003538666.1).